The following is an entry in ClinVar:

ClinVar aggregate classification (germline): Uncertain significance. Review status: criteria provided, multiple submitters, no conflicts (2 of 4 stars). 2 submissions from 2 submitters: Uncertain significance (2). Last evaluated 2025-08-07.

Conditions:
Hereditary cancer-predisposing syndrome. Also called: Hereditary neoplastic syndrome; Neoplastic Syndromes, Hereditary; Hereditary Cancer Syndrome; Tumor predisposition. Identifiers: Orphanet 140162, MedGen C0027672, MeSH D009386, MONDO:0015356.
Familial cancer of breast. Also called: Hereditary breast cancer; BREAST CANCER, FAMILIAL; hereditary breast carcinoma. Identifiers: Orphanet 227535, MedGen C0346153, MONDO:0016419, OMIM 114480. Disease mechanism: loss of function.

Submissions (2):

Ambry Genetics
Classification: Uncertain significance for Hereditary cancer-predisposing syndrome. Last evaluated: 2025-08-07. Review status: criteria provided, single submitter. Criteria: Ambry Variant Classification Scheme 2023. Collection method: clinical testing. Allele origin: germline.
Comment: The p.N341D variant (also known as c.1021A>G), located in coding exon 9 of the CHEK2 gene, results from an A to G substitution at nucleotide position 1021. The asparagine at codon 341 is replaced by aspartic acid, an amino acid with highly similar properties. This amino acid position is conserved. In addition, the in silico prediction for this alteration is inconclusive. Based on the available evidence, the clinical significance of this variant remains unclear.

Labcorp Genetics (formerly Invitae), Labcorp
Classification: Uncertain significance for Familial cancer of breast. Last evaluated: 2025-02-19. Review status: criteria provided, single submitter. Criteria: Invitae Variant Classification Sherloc (09022015). Collection method: clinical testing. Allele origin: germline.
Comment: This sequence change replaces asparagine, which is neutral and polar, with aspartic acid, which is acidic and polar, at codon 341 of the CHEK2 protein (p.Asn341Asp). This variant is not present in population databases (gnomAD no frequency). This variant has not been reported in the literature in individuals affected with CHEK2-related conditions. ClinVar contains an entry for this variant (Variation ID: 1483693). An algorithm developed to predict the effect of missense changes on protein structure and function (PolyPhen-2) suggests that this variant is likely to be disruptive. In summary, the available evidence is currently insufficient to determine the role of this variant in disease. Therefore, it has been classified as a Variant of Uncertain Significance.

NM_007194.4(CHEK2):c.1021A>G (p.Asn341Asp)

Gene: CHEK2 (checkpoint kinase 2; minus strand). Cytogenetic location: 22q12.1.
Variant type: single nucleotide variant.
Coding change: c.1021A>G on transcript NM_007194.4 (MANE Select); coding-DNA position 1021, A replaced by G.
Protein change: p.Asn341Asp; replaces asparagine 341 with aspartic acid.
Molecular consequence: missense variant. On other transcripts: intron variant (3).
Genome position (GRCh38, 1-based): chr22:28,696,975, T>C on the plus strand (A>G on the coding strand, the complement: CHEK2 is on the minus strand). VCF-style: chr22-28696975-T-C. GRCh37 (hg19) VCF-style: chr22-29092963-T-C.
Other names: c.1150A>G, p.Asn384Asp (NM_001005735.3); c.358A>G, p.Asn120Asp (NM_001257387.3, NM_001437942.1); c.820A>G, p.Asn274Asp (NM_001349956.3); c.1114A>G, p.Asn372Asp (NM_001438293.1); c.1009-1102A>G (NM_145862.3); c.1102-1102A>G (NM_001438295.1); c.1138-1102A>G (NM_001438294.1); c.1021A>G (NM_007194.3); short protein forms N120D, N384D, N341D, N274D, N372D.
Identifiers: ClinVar variation 1483693 (VCV001483693.10), dbSNP rs2145817987, ClinGen allele CA411097799.
Genomic context (GRCh38, chr22:28,696,975, plus strand): 5'-CCTCTTCTTGAGATGACAGTAAAACATTCTCTGGCTTTAAGTCACGGTGTATAATACCGT[T>C]TTCATGAAGGTACTACACAGAAAGGCAGGCATGACCCTCAGATTCATGCAGTAGATACTT-3'
Protein context (NP_009125.1, residues 331-351): MLLAVQYLHE[Asn341Asp]GIIHRDLKPE